The following is an entry in ClinVar:

ClinVar aggregate classification (germline): Uncertain significance (1 of 4 stars; one submission).

Allele frequency attached by ClinVar (database versions not stated): gnomAD exomes below 0.00001.
gnomAD v4.1: 1 of 1,606,040 alleles (0.000062%); highest among the groups gnomAD compares: Non-Finnish European, 0.000085%; no homozygotes.

Submission:

Labcorp Genetics (formerly Invitae), Labcorp
Classification: Uncertain significance. Last evaluated: 2022-10-27. Review status: criteria provided, single submitter. Criteria: Invitae Variant Classification Sherloc (09022015). Collection method: clinical testing. Allele origin: germline.
Comment: In summary, the available evidence is currently insufficient to determine the role of this variant in disease. Therefore, it has been classified as a Variant of Uncertain Significance. Advanced modeling of protein sequence and biophysical properties (such as structural, functional, and spatial information, amino acid conservation, physicochemical variation, residue mobility, and thermodynamic stability) performed at Invitae indicates that this missense variant is not expected to disrupt SAG protein function. This variant has not been reported in the literature in individuals affected with SAG-related conditions. This variant is not present in population databases (gnomAD no frequency). This sequence change replaces aspartic acid, which is acidic and polar, with glutamic acid, which is acidic and polar, at codon 86 of the SAG protein (p.Asp86Glu).

NM_000541.5(SAG):c.258C>A (p.Asp86Glu)

Gene: SAG (S-antigen visual arrestin; plus strand). Cytogenetic location: 2q37.1.
Variant type: single nucleotide variant.
Coding change: c.258C>A on transcript NM_000541.5 (MANE Select); coding-DNA position 258, C replaced by A.
Protein change: p.Asp86Glu; replaces aspartic acid 86 with glutamic acid.
Molecular consequence: missense variant.
Genome position (GRCh38, 1-based): chr2:233,320,706, C>A. VCF-style: chr2-233320706-C-A. GRCh37 (hg19) VCF-style: chr2-234229352-C-A.
Other names: short protein forms D86E.
Identifiers: ClinVar variation 2810116 (VCV002810116.3), dbSNP rs1255564073, ClinGen allele CA351046370.
Genomic context (GRCh38, chr2:233,320,706, plus strand): 5'-CTGCGCCTTCCGCTATGGCCAAGAGGACATTGACGTGATCGGCTTGACCTTCCGCAGGGA[C>A]CTGTACTTCTCCCGGGTCCAGGTGTATCCTCCTGTGGGGGCCGCGAGCACCCCCACAAAA-3'
Protein context (NP_000532.2, residues 76-96): IDVIGLTFRR[Asp86Glu]LYFSRVQVYP